The following is an entry in ClinVar:

ClinVar aggregate classification (germline): Uncertain significance (1 of 4 stars; one submission).

Conditions:
Multiple acyl-CoA dehydrogenase deficiency (MADD). Also called: Glutaric acidemia type II; GA 2; Glutaric Acidemia type 2; ETHYLMALONIC-ADIPICACIDURIA; GA II; Glutaric aciduria, type 2. Identifiers: Orphanet 26791, MedGen C0268596, MONDO:0009282, OMIM 231680.

Allele frequency attached by ClinVar (database versions not stated): gnomAD exomes below 0.00001.
gnomAD v4.1: 1 of 1,611,514 alleles (0.000062%); highest among the groups gnomAD compares: Admixed American, 0.0017%; no homozygotes.

Submission:

Labcorp Genetics (formerly Invitae), Labcorp
Classification: Uncertain significance for Multiple acyl-CoA dehydrogenase deficiency. Last evaluated: 2022-01-15. Review status: criteria provided, single submitter. Criteria: Invitae Variant Classification Sherloc (09022015). Collection method: clinical testing. Allele origin: germline.
Comment: This sequence change replaces leucine, which is neutral and non-polar, with proline, which is neutral and non-polar, at codon 321 of the ETFDH protein (p.Leu321Pro). This variant is present in population databases (no rsID available, gnomAD 0.003%). This variant has not been reported in the literature in individuals affected with ETFDH-related conditions. ClinVar contains an entry for this variant (Variation ID: 570208). Advanced modeling of protein sequence and biophysical properties (such as structural, functional, and spatial information, amino acid conservation, physicochemical variation, residue mobility, and thermodynamic stability) performed at Invitae indicates that this missense variant is expected to disrupt ETFDH protein function. In summary, the available evidence is currently insufficient to determine the role of this variant in disease. Therefore, it has been classified as a Variant of Uncertain Significance.

NM_004453.4(ETFDH):c.962T>C (p.Leu321Pro)

Gene: ETFDH (electron transfer flavoprotein dehydrogenase; plus strand). Cytogenetic location: 4q32.1.
Variant type: single nucleotide variant.
Coding change: c.962T>C on transcript NM_004453.4 (MANE Select); coding-DNA position 962, T replaced by C.
Protein change: p.Leu321Pro; replaces leucine 321 with proline.
Molecular consequence: missense variant.
Genome position (GRCh38, 1-based): chr4:158,697,689, T>C. VCF-style: chr4-158697689-T-C. GRCh37 (hg19) VCF-style: chr4-159618841-T-C.
Other names: c.821T>C, p.Leu274Pro (NM_001281737.2); c.779T>C, p.Leu260Pro (NM_001281738.1); short protein forms L321P, L274P, L260P.
Identifiers: ClinVar variation 570208 (VCV000570208.6), dbSNP rs1464356117, ClinGen allele CA358561757.